The following is an entry in ClinVar:

ClinVar aggregate classification (germline): Uncertain significance (1 of 4 stars; one submission).

Submission:

ISCA site 15
Classification: Uncertain significance. Last evaluated: 2011-08-12. Review status: criteria provided, single submitter. Criteria: Kaminsky et al. (Genet Med. 2011). Collection method: clinical testing. Allele origin: unknown. Affected: yes. Observed: 1 variant allele.
Comment: Copy number variation identified through the course of routine clinical cytogenomic testing in postnatal populations. Clinical assertions have been curated as described in Kaminsky et al. 2011.

GRCh38/hg38 Xq22.2(chrX:103630251-103712297)x1

Genes: MORF4L2 (mortality factor 4 like 2; minus strand), MORF4L2-AS1 (MORF4L2 antisense RNA 1; plus strand), TCEAL1 (transcription elongation factor A like 1; plus strand), TMEM31 (transmembrane protein 31; plus strand). Cytogenetic location: Xq22.2.
Variant type: copy number loss.
Change: copy number 1 of chrX:103,630,251-103,712,297 (82.0 kb, GRCh38 coordinates, 1-based), cytogenetic band Xq22.2.
Identifiers: ClinVar variation 57688 (VCV000057688.1).